The following is an entry in ClinVar:

NM_000520.6(HEXA):c.478G>A (p.Glu160Lys)

Gene: HEXA (hexosaminidase subunit alpha; minus strand). Cytogenetic location: 15q23.
Variant type: single nucleotide variant.
Coding change: c.478G>A on transcript NM_000520.6 (MANE Select); coding-DNA position 478, G replaced by A.
Protein change: p.Glu160Lys; replaces glutamic acid 160 with lysine.
Molecular consequence: missense variant. On other transcripts: non-coding transcript variant (1).
Genome position (GRCh38, 1-based): chr15:72,353,160, C>T on the plus strand (G>A on the coding strand, the complement: HEXA is on the minus strand). VCF-style: chr15-72353160-C-T. GRCh37 (hg19) VCF-style: chr15-72645501-C-T.
Other names: c.511G>A, p.Glu171Lys (NM_001318825.2); short protein forms E171K, E160K.
Identifiers: ClinVar variation 839454 (VCV000839454.11), dbSNP rs2088724627, ClinGen allele CA393065134.
Genomic context (GRCh38, chr15:72,353,160, plus strand): 5'-AATGGCGAGATGTATCCAACAGCAAGCCCCGGTGAGGAAAGCGGGGAAAGTCCTCAATCT[C>T]AGTCTTGTTGATAAAGAACTGTGCAGAACAAACATTGAACATGTCAGTTTCAAAGGAAGC-3'
Protein context (NP_000511.2, residues 150-170): AEGTFFINKT[Glu160Lys]IEDFPRFPHR

ClinVar aggregate classification (germline): Uncertain significance. Review status: criteria provided, single submitter (1 of 4 stars). 2 submissions from 2 submitters: Uncertain significance (1). 1 of the submissions does not count toward it. Last evaluated 2021-11-19.

Conditions:
Tay-Sachs disease (TSD). Also called: GM2 gangliosidosis, type 1; Hexosaminidase alpha-subunit deficiency (variant B); Sphingolipidosis, Tay-Sachs; HEXA Disorders; HEXA DEFICIENCY; Hexosaminidase A Deficiency. Identifiers: Orphanet 845, MedGen C0039373, MONDO:0010100, OMIM 272800.

Allele frequency attached by ClinVar (database versions not stated): gnomAD exomes below 0.00001.
gnomAD v4.1: 3 of 1,610,800 alleles (0.00019%); highest among the groups gnomAD compares: Non-Finnish European, 0.000085%; no homozygotes.

Submissions (2):

Labcorp Genetics (formerly Invitae), Labcorp
Classification: Uncertain significance for Tay-Sachs disease. Last evaluated: 2021-11-19. Review status: criteria provided, single submitter. Criteria: Invitae Variant Classification Sherloc (09022015). Collection method: clinical testing. Allele origin: germline.
Comment: In summary, the available evidence is currently insufficient to determine the role of this variant in disease. Therefore, it has been classified as a Variant of Uncertain Significance. Algorithms developed to predict the effect of missense changes on protein structure and function output the following: SIFT: "Tolerated"; PolyPhen-2: "Benign"; Align-GVGD: "Class C0". The lysine amino acid residue is found in multiple mammalian species, which suggests that this missense change does not adversely affect protein function. ClinVar contains an entry for this variant (Variation ID: 839454). This variant has not been reported in the literature in individuals affected with HEXA-related conditions. This variant is not present in population databases (gnomAD no frequency). This sequence change replaces glutamic acid, which is acidic and polar, with lysine, which is basic and polar, at codon 160 of the HEXA protein (p.Glu160Lys).

Natera, Inc.
Classification: Uncertain significance for Tay-Sachs disease. Last evaluated: 2020-03-19. Review status: no assertion criteria provided. Collection method: clinical testing. Allele origin: germline. Not counted in ClinVar's aggregate classification.